The following is an entry in ClinVar:

NM_025114.4(CEP290):c.6516dup (p.Leu2173fs)

Gene: CEP290 (centrosomal protein 290; minus strand). Cytogenetic location: 12q21.32.
Variant type: Duplication.
Coding change: c.6516dup on transcript NM_025114.4 (MANE Select); coding-DNA position 6516, one base duplicated (A; older notation c.6516dupA).
Protein change: p.Leu2173fs; shifts the reading frame from leucine 2173.
Molecular consequence: frameshift variant.
Genome position (GRCh38, 1-based): chr12:88,060,836, T duplicated on the plus strand (A on the coding strand, the reverse complement: CEP290 is on the minus strand); the first of 5 consecutive T bases (chr12:88,060,836-88,060,840); duplicating any one gives the same sequence. VCF-style (leftmost placement, unchanged base first): chr12-88060835-A-AT. GRCh37 (hg19) VCF-style: chr12-88454612-A-AT.
Other names: short protein forms L2173fs.
Identifiers: ClinVar variation 1438667 (VCV001438667.6), dbSNP rs1057519165, ClinGen allele CA2052906746.

ClinVar aggregate classification (germline): Pathogenic (1 of 4 stars; one submission).

Conditions:
Joubert syndrome. Also called: CEREBELLOPARENCHYMAL DISORDER IV; JOUBERT-BOLTSHAUSER SYNDROME; Familial aplasia of the vermis. Identifiers: Orphanet 475, MedGen C5979921, MONDO:0018772.
Nephronophthisis. Also called: Juvenile Nephronophthisis. Identifiers: Orphanet 655, MedGen C0687120, MONDO:0019005, HP:0000090.
Meckel-Gruber syndrome. Also called: DYSENCEPHALIA SPLANCHNOCYSTICA; GRUBER SYNDROME; Dysencephalia splachnocystica. Identifiers: Orphanet 564, MedGen C0265215, MONDO:0018921.

Submission:

Labcorp Genetics (formerly Invitae), Labcorp
Classification: Pathogenic for Joubert syndrome; Meckel-Gruber syndrome; Nephronophthisis. Last evaluated: 2025-12-01. Review status: criteria provided, single submitter. Criteria: Invitae Variant Classification Sherloc (09022015). Collection method: clinical testing. Allele origin: germline.
Comment: This sequence change creates a premature translational stop signal (p.Leu2173Ilefs*4) in the CEP290 gene. It is expected to result in an absent or disrupted protein product. Loss-of-function variants in CEP290 are known to be pathogenic (PMID: 16909394, 17345604, 20690115). This variant is not present in population databases (gnomAD no frequency). This variant has not been reported in the literature in individuals affected with CEP290-related conditions. ClinVar contains an entry for this variant (Variation ID: 1438667). For these reasons, this variant has been classified as Pathogenic.

Literature cited by the submitters: PubMed 16909394; PubMed 17345604; PubMed 20690115.